The following is an entry in ClinVar:

NM_001256864.2(DNAJC6):c.144G>T (p.Arg48=)

Gene: DNAJC6 (DnaJ heat shock protein family (Hsp40) member C6; plus strand). Cytogenetic location: 1p31.3.
Variant type: single nucleotide variant.
Coding change: c.144G>T on transcript NM_001256864.2 (MANE Select); coding-DNA position 144, G replaced by T.
Protein change: p.Arg48=; no amino-acid change (arginine 48 retained).
Molecular consequence: synonymous variant. On other transcripts: intron variant (2).
Genome position (GRCh38, 1-based): chr1:65,309,889, G>T. VCF-style: chr1-65309889-G-T. GRCh37 (hg19) VCF-style: chr1-65775572-G-T.
Other names: c.-130-35722G>T (NM_001256865.2); c.22+44957G>T (NM_014787.4).
Identifiers: ClinVar variation 1669121 (VCV001669121.32), dbSNP rs779540362, ClinGen allele CA893547.

ClinVar aggregate classification (germline): Likely benign. Review status: criteria provided, multiple submitters, no conflicts (2 of 4 stars). 2 submissions from 2 submitters: Likely benign (2). Last evaluated 2025-06-06.

Conditions:
Juvenile onset Parkinson disease 19A. Also called: PARK19; DNAJC6 Parkinson Disease. Identifiers: Orphanet 391411, MedGen C3809811, MONDO:0014231, OMIM 615528.

Allele frequency attached by ClinVar (database versions not stated): gnomAD 0.00003 and 0.00007; TOPMed 0.00011; gnomAD exomes 0.00034; ExAC 0.00084.
gnomAD v4.1: 142 of 1,543,936 alleles (0.0092%); highest among the groups gnomAD compares: South Asian, 0.07%; 1 homozygote.

Submissions (2):

Labcorp Genetics (formerly Invitae), Labcorp
Classification: Likely benign for Juvenile onset Parkinson disease 19A. Last evaluated: 2025-06-06. Review status: criteria provided, single submitter. Criteria: Invitae Variant Classification Sherloc (09022015). Collection method: clinical testing. Allele origin: germline.

CeGaT Center for Human Genetics Tuebingen
Classification: Likely benign. Last evaluated: 2022-09-01. Review status: criteria provided, single submitter. Criteria: CeGaT Center For Human Genetics Tuebingen Variant Classification Criteria Version 2. Collection method: clinical testing. Allele origin: germline. Affected: yes. Observed: 1 variant allele.
Comment: DNAJC6: BP4, BP7